The following is an entry in ClinVar:

NM_001330677.2(TBX15):c.1721A>G (p.Asn574Ser)

Gene: TBX15 (T-box transcription factor 15; minus strand). Cytogenetic location: 1p12.
Variant type: single nucleotide variant.
Coding change: c.1721A>G on transcript NM_001330677.2 (MANE Select); coding-DNA position 1721, A replaced by G.
Protein change: p.Asn574Ser; replaces asparagine 574 with serine.
Molecular consequence: missense variant.
Genome position (GRCh38, 1-based): chr1:118,884,820, T>C on the plus strand (A>G on the coding strand, the complement: TBX15 is on the minus strand). VCF-style: chr1-118884820-T-C. GRCh37 (hg19) VCF-style: chr1-119427443-T-C.
Other names: c.1403A>G, p.Asn468Ser (NM_152380.3); c.1403A>G (NM_152380.2); short protein forms N574S, N468S.
Identifiers: ClinVar variation 1408532 (VCV001408532.7), dbSNP rs548905715, ClinGen allele CA1034781.

ClinVar aggregate classification (germline): Uncertain significance. Review status: criteria provided, multiple submitters, no conflicts (2 of 4 stars). 3 submissions from 3 submitters: Uncertain significance (3). Last evaluated 2024-04-17.

Conditions:
Pelviscapular dysplasia. Identifiers: Orphanet 93333, MedGen C1850040, MONDO:0009845, OMIM 260660.
Inborn genetic diseases. Identifiers: MedGen C0950123, MeSH D030342.

Allele frequency attached by ClinVar (database versions not stated): ExAC 0.00001; gnomAD exomes 0.00002; gnomAD 0.00014 and 0.00015; 1000 Genomes Project 30x 0.00016; 1000 Genomes Project 0.00020; TOPMed 0.00036.
gnomAD v4.1: 42 of 1,614,086 alleles (0.0026%); highest among the groups gnomAD compares: Admixed American, 0.057%; 1 homozygote.

Submissions (3):

Ambry Genetics
Classification: Uncertain significance for Inborn genetic diseases. Last evaluated: 2024-04-17. Review status: criteria provided, single submitter. Criteria: Ambry Variant Classification Scheme 2023. Collection method: clinical testing. Allele origin: germline.

Genome-Nilou Lab
Classification: Uncertain significance for Pelviscapular dysplasia. Last evaluated: 2023-04-11. Review status: criteria provided, single submitter. Criteria: ACMG Guidelines, 2015. Collection method: clinical testing. Allele origin: germline. Affected: no.

Labcorp Genetics (formerly Invitae), Labcorp
Classification: Uncertain significance. Last evaluated: 2022-08-21. Review status: criteria provided, single submitter. Criteria: Invitae Variant Classification Sherloc (09022015). Collection method: clinical testing. Allele origin: germline.
Comment: This sequence change replaces asparagine, which is neutral and polar, with serine, which is neutral and polar, at codon 468 of the TBX15 protein (p.Asn468Ser). This variant is present in population databases (rs548905715, gnomAD 0.01%). This variant has not been reported in the literature in individuals affected with TBX15-related conditions. ClinVar contains an entry for this variant (Variation ID: 1408532). Algorithms developed to predict the effect of missense changes on protein structure and function output the following: SIFT: "Tolerated"; PolyPhen-2: "Benign"; Align-GVGD: "Class C0". The serine amino acid residue is found in multiple mammalian species, which suggests that this missense change does not adversely affect protein function. In summary, the available evidence is currently insufficient to determine the role of this variant in disease. Therefore, it has been classified as a Variant of Uncertain Significance.